The following is an entry in ClinVar:

NM_007294.4(BRCA1):c.1003A>G (p.Ser335Gly)

Gene: BRCA1 (BRCA1 DNA repair associated; minus strand). Cytogenetic location: 17q21.31.
Variant type: single nucleotide variant.
Coding change: c.1003A>G on transcript NM_007294.4 (MANE Select); coding-DNA position 1003, A replaced by G.
Protein change: p.Ser335Gly; replaces serine 335 with glycine.
Molecular consequence: missense variant. On other transcripts: intron variant (137).
Genome position (GRCh38, 1-based): chr17:43,094,528, T>C on the plus strand (A>G on the coding strand, the complement: BRCA1 is on the minus strand). VCF-style: chr17-43094528-T-C. GRCh37 (hg19) VCF-style: chr17-41246545-T-C.
Other names: c.862A>G, p.Ser288Gly (NM_001407945.1, NM_007297.4, NM_001407692.1 and 29 more transcripts); c.670A>G, p.Ser224Gly (NM_001407946.1, NM_001407947.1, NM_001407948.1 and 6 more transcripts); c.667A>G, p.Ser223Gly (NM_001407954.1, NM_001407955.1, NM_001407956.1 and 1 more transcripts); c.622A>G, p.Ser208Gly (NM_001407959.1, NM_001407960.1, NM_001407963.1); c.619A>G, p.Ser207Gly (NM_001407962.1); c.859A>G, p.Ser287Gly (NM_001407964.1, NM_001407740.1, NM_001407741.1 and 20 more transcripts); c.499A>G, p.Ser167Gly (NM_001407965.1); c.115A>G, p.Ser39Gly (NM_001407966.1, NM_001407967.1); and 40 more; short protein forms S167G, S207G, S208G, S223G, S224G, S246G, S247G, S264G.
Identifiers: ClinVar variation 3386225 (VCV003386225.1).

ClinVar aggregate classification (germline): Uncertain significance (1 of 4 stars; one submission).

Conditions:
BRCA1-related cancer predisposition. Identifiers: MedGen CN377757, MONDO:0700268.

Submission:

All of Us Research Program, National Institutes of Health
Classification: Uncertain significance for BRCA1-related cancer predisposition. Last evaluated: 2024-07-29. Review status: criteria provided, single submitter. Criteria: ACMG Guidelines, 2015. Collection method: clinical testing. Allele origin: germline. Inheritance: Autosomal dominant inheritance. Observed: 1 variant allele, 1 heterozygote.
Comment: This missense variant replaces serine with glycine at codon 335 of the BRCA1 protein. Computational prediction suggests that this variant may not impact protein structure and function. To our knowledge, functional studies have not been reported for this variant. This variant has been detected in a breast cancer case-control meta-analysis in 0/60466 cases and 1/53461 unaffected individuals (PMID: 33471991; Leiden Open Variation Database DB-ID BRCA1_006541). This variant has not been identified in the general population by the Genome Aggregation Database (gnomAD). The available evidence is insufficient to determine the role of this variant in disease conclusively. Therefore, this variant is classified as a Variant of Uncertain Significance.

This study involves interpretation of variants in research participants for the purpose of population health screening. Participant phenotype was not available at the time of variant classification. Additional details can be found in publication PMID: 35346344, PMCID: PMC8962531

Literature cited by the submitters: PubMed 33471991.